The following is an entry in ClinVar:

ClinVar aggregate classification (germline): Uncertain significance. Review status: criteria provided, multiple submitters, no conflicts (2 of 4 stars). 2 submissions from 2 submitters: Uncertain significance (2). Last evaluated 2022-11-08.

Allele frequency attached by ClinVar (database versions not stated): TOPMed 0.00002; gnomAD exomes 0.00003; gnomAD 0.00005; ESP Exome Variant Server 0.00008; ExAC 0.00013; 1000 Genomes Project 30x 0.00016; 1000 Genomes Project 0.00020.
gnomAD v4.1: 55 of 1,561,680 alleles (0.0035%); highest among the groups gnomAD compares: South Asian, 0.0095%; no homozygotes.

Submissions (2):

Labcorp Genetics (formerly Invitae), Labcorp
Classification: Uncertain significance. Last evaluated: 2022-11-08. Review status: criteria provided, single submitter. Criteria: Invitae Variant Classification Sherloc (09022015). Collection method: clinical testing. Allele origin: germline.
Comment: This variant has not been reported in the literature in individuals affected with HSPG2-related conditions. This variant is present in population databases (rs372148118, gnomAD 0.02%). This sequence change replaces valine, which is neutral and non-polar, with methionine, which is neutral and non-polar, at codon 1376 of the HSPG2 protein (p.Val1376Met). Algorithms developed to predict the effect of missense changes on protein structure and function output the following: SIFT: "Tolerated"; PolyPhen-2: "Benign"; Align-GVGD: "Class C0". The methionine amino acid residue is found in multiple mammalian species, which suggests that this missense change does not adversely affect protein function. In summary, the available evidence is currently insufficient to determine the role of this variant in disease. Therefore, it has been classified as a Variant of Uncertain Significance.

Revvity Omics, Revvity
Classification: Uncertain significance. Last evaluated: 2019-04-10. Review status: criteria provided, single submitter. Criteria: ACMG Guidelines, 2015. Collection method: clinical testing. Allele origin: germline.

NM_005529.7(HSPG2):c.4126G>A (p.Val1376Met)

Gene: HSPG2 (heparan sulfate proteoglycan 2; minus strand). Cytogenetic location: 1p36.12.
Variant type: single nucleotide variant.
Coding change: c.4126G>A on transcript NM_005529.7 (MANE Select); coding-DNA position 4126, G replaced by A.
Protein change: p.Val1376Met; replaces valine 1376 with methionine.
Molecular consequence: missense variant.
Genome position (GRCh38, 1-based): chr1:21,872,281, C>T on the plus strand (G>A on the coding strand, the complement: HSPG2 is on the minus strand). VCF-style: chr1-21872281-C-T. GRCh37 (hg19) VCF-style: chr1-22198774-C-T.
Other names: c.4129G>A, p.Val1377Met (NM_001291860.2); short protein forms V1377M, V1376M.
Identifiers: ClinVar variation 1920751 (VCV001920751.8), dbSNP rs372148118, ClinGen allele CA672367.
Genomic context (GRCh38, chr1:21,872,281, plus strand): 5'-AGAAGGACTCATGGCCGAGTTGGGCAAAGTTGCCAAAAGAGAGCTGGGCACCCTCGGGCA[C>T]GGGTTCCACAGTGAATTCTCCTGTCAGGCGGCTGTTTCGCTGTGGGTTCACCAGGGCAAA-3'
Protein context (NP_005520.4, residues 1366-1386): RLTGEFTVEP[Val1376Met]PEGAQLSFGN